The following is an entry in ClinVar:

ClinVar aggregate classification (germline): Uncertain significance (1 of 4 stars; one submission).

Allele frequency attached by ClinVar (database versions not stated): ExAC 0.00002.

Submission:

Labcorp Genetics (formerly Invitae), Labcorp
Classification: Uncertain significance. Last evaluated: 2022-03-28. Review status: criteria provided, single submitter. Criteria: Invitae Variant Classification Sherloc (09022015). Collection method: clinical testing. Allele origin: germline.
Comment: In summary, the available evidence is currently insufficient to determine the role of this variant in disease. Therefore, it has been classified as a Variant of Uncertain Significance. Advanced modeling of protein sequence and biophysical properties (such as structural, functional, and spatial information, amino acid conservation, physicochemical variation, residue mobility, and thermodynamic stability) performed at Invitae indicates that this missense variant is not expected to disrupt WNK4 protein function. This variant has not been reported in the literature in individuals affected with WNK4-related conditions. This variant is present in population databases (rs776302885, gnomAD 0.002%). This sequence change replaces phenylalanine, which is neutral and non-polar, with leucine, which is neutral and non-polar, at codon 843 of the WNK4 protein (p.Phe843Leu).

NM_032387.5(WNK4):c.2527T>C (p.Phe843Leu)

Gene: WNK4 (WNK lysine deficient protein kinase 4; plus strand). Cytogenetic location: 17q21.2.
Variant type: single nucleotide variant.
Coding change: c.2527T>C on transcript NM_032387.5 (MANE Select); coding-DNA position 2527, T replaced by C.
Protein change: p.Phe843Leu; replaces phenylalanine 843 with leucine.
Molecular consequence: missense variant.
Genome position (GRCh38, 1-based): chr17:42,794,948, T>C. VCF-style: chr17-42794948-T-C. GRCh37 (hg19) VCF-style: chr17-40946966-T-C.
Other names: c.1519T>C, p.Phe507Leu (NM_001321299.2); short protein forms F507L, F843L.
Identifiers: ClinVar variation 2065880 (VCV002065880.4), dbSNP rs776302885, ClinGen allele CA8584395.